The following is an entry in ClinVar:

ClinVar aggregate classification (germline): Likely benign. Review status: criteria provided, single submitter (1 of 4 stars). 2 submissions from 2 submitters: Likely benign (1). 1 of the submissions does not count toward it. Last evaluated 2024-11-22.

Conditions:
Kabuki syndrome. Also called: Kabuki make-up syndrome; NIIKAWA-KUROKI SYNDROME. Identifiers: Orphanet 2322, MedGen C0796004, MONDO:0016512.
KMT2D-related disorder. Also called: KMT2D-Related Disorders.

Allele frequency attached by ClinVar (database versions not stated): gnomAD exomes 0.00005 and 0.00015; ExAC 0.00011; gnomAD 0.00006 and 0.00007; TOPMed 0.00008.
gnomAD v4.1: 93 of 1,612,018 alleles (0.0058%); highest among the groups gnomAD compares: East Asian, 0.19%; no homozygotes.

Submissions (2):

Labcorp Genetics (formerly Invitae), Labcorp
Classification: Likely benign for Kabuki syndrome. Last evaluated: 2024-11-22. Review status: criteria provided, single submitter. Criteria: Invitae Variant Classification Sherloc (09022015). Collection method: clinical testing. Allele origin: germline.

PreventionGenetics, part of Exact Sciences
Classification: Likely benign for KMT2D-related condition. Last evaluated: 2021-12-23. Review status: no assertion criteria provided. Collection method: clinical testing. Allele origin: germline. Not counted in ClinVar's aggregate classification.
Comment: This variant is classified as likely benign based on ACMG/AMP sequence variant interpretation guidelines (Richards et al. 2015 PMID: 25741868, with internal and published modifications).

NM_003482.4(KMT2D):c.14883C>T (p.Pro4961=)

Gene: KMT2D (lysine methyltransferase 2D; minus strand). Cytogenetic location: 12q13.12.
Variant type: single nucleotide variant.
Coding change: c.14883C>T on transcript NM_003482.4 (MANE Select); coding-DNA position 14883, C replaced by T.
Protein change: p.Pro4961=; no amino-acid change (proline 4961 retained).
Molecular consequence: synonymous variant.
Genome position (GRCh38, 1-based): chr12:49,027,083, G>A on the plus strand (C>T on the coding strand, the complement: KMT2D is on the minus strand). VCF-style: chr12-49027083-G-A. GRCh37 (hg19) VCF-style: chr12-49420866-G-A.
Identifiers: ClinVar variation 309004 (VCV000309004.13), dbSNP rs770276955, ClinGen allele CA6545647.
Genomic context (GRCh38, chr12:49,027,083, plus strand): 5'-TTTCTTGAGGCGAGGAGGACGGGAATCTTCACCTTCTTCAGGGGGCCGGGCACGGGGCTT[G>A]GGTCGGGCTGATTCAGGGGATGAGGCCAGTGGCAGAGGTGAGGGGACGGGTGGCTCAGCC-3'
Protein context (NP_003473.3, residues 4951-4971): PLASSPESAR[Pro4961=]KPRARPPEEG